The following is an entry in ClinVar:

NM_015295.3(SMCHD1):c.2459-1420A>G

Gene: SMCHD1 (structural maintenance of chromosomes flexible hinge domain containing 1; plus strand). Cytogenetic location: 18p11.32.
Variant type: single nucleotide variant.
Coding change: c.2459-1420A>G on transcript NM_015295.3 (MANE Select); 1420 bases into the intron before coding-DNA position 2459, A replaced by G.
Molecular consequence: intron variant.
Genome position (GRCh38, 1-based): chr18:2,721,099, A>G. VCF-style: chr18-2721099-A-G. GRCh37 (hg19) VCF-style: chr18-2721097-A-G.
Identifiers: ClinVar variation 4887974 (VCV004887974.1).

ClinVar aggregate classification (germline): Likely benign (1 of 4 stars; one submission).

Conditions:
Facioscapulohumeral muscular dystrophy 2 (FSHD2). Also called: FACIOSCAPULOHUMERAL MUSCULAR DYSTROPHY 2, DIGENIC; FSHD2, DIGENIC; MUSCULAR DYSTROPHY, FACIOSCAPULOHUMERAL, TYPE 1B. Identifiers: Orphanet 269, MedGen C1834671, MONDO:0008031, OMIM 158901.

gnomAD v4.1: 858 of 152,236 alleles (0.56%); highest among the groups gnomAD compares: South Asian, 0.83%; 4 homozygotes.

Submission:

Laboratory of Functional Genomics, Research Centre for Medical Genetics
Classification: Likely benign for Facioscapulohumeral muscular dystrophy 2. Last evaluated: 2025-01-19. Review status: criteria provided, single submitter. Criteria: ACMG Guidelines, 2015. Collection method: clinical testing. Allele origin: germline. Inheritance: Autosomal dominant inheritance. Affected: yes. Observed: 1 variant allele, 1 heterozygote.
Comment: The variant is present in gnomAD at an allele frequency of 0.005634 and has also been observed in the homozygous state in four individuals in gnomAD, further supporting its tolerance in the general population. Although in silico splice prediction tools, including SpliceAI and Pangolin, predicted the creation of a novel splice acceptor site and activation of a cryptic donor site with potential pseudoexon formation, RNA analysis of the proband did not demonstrate any alteration of SMCHD1 mRNA structure. Taken together, the relatively high population frequency, observation of the variant in the homozygous state in multiple individuals, absence of a detectable splicing abnormality, and high D4Z4 methylation levels do not support a pathogenic role for this variant and are consistent with a likely benign classification.